The following is an entry in ClinVar:

NM_017649.5(CNNM2):c.*879G>A

Gene: CNNM2 (cyclin and CBS domain divalent metal cation transport mediator 2; plus strand). Cytogenetic location: 10q24.32.
Variant type: single nucleotide variant.
Coding change: c.*879G>A on transcript NM_017649.5 (MANE Select); 879 bases downstream of the stop codon, G replaced by A.
Molecular consequence: 3 prime UTR variant.
Genome position (GRCh38, 1-based): chr10:103,078,059, G>A. VCF-style: chr10-103078059-G-A. GRCh37 (hg19) VCF-style: chr10-104837816-G-A.
Other names: c.*879G>A (NM_199076.3).
Identifiers: ClinVar variation 298665 (VCV000298665.7), dbSNP rs1046411, ClinGen allele CA10634824.

ClinVar aggregate classification (germline): Benign. Review status: criteria provided, multiple submitters, no conflicts (2 of 4 stars). 3 submissions from 3 submitters: Benign (3). Last evaluated 2026-05-18.

Conditions:
Renal hypomagnesemia 6. Identifiers: Orphanet 34527, MedGen C3151295, MONDO:0013480, OMIM 613882.

Allele frequency attached by ClinVar (database versions not stated): 1000 Genomes Project 30x 0.26109; 1000 Genomes Project 0.26278; gnomAD exomes 0.29847; TOPMed 0.31393; gnomAD 0.31527 and 0.32109.
gnomAD v4.1: 47,996 of 152,214 alleles (32%); highest among the groups gnomAD compares: Middle Eastern, 38%; 7,739 homozygotes.

Submissions (3):

Revvity Omics, Revvity
Classification: Benign. Last evaluated: 2026-05-18. Review status: criteria provided, single submitter. Criteria: ACMG Guidelines, 2015. Collection method: clinical testing. Allele origin: germline.

Illumina Laboratory Services, Illumina
Classification: Benign for Renal hypomagnesemia 6. Last evaluated: 2018-01-12. Review status: criteria provided, single submitter. Criteria: ICSL Variant Classification Criteria 13 December 2019. Collection method: clinical testing. Allele origin: germline.
Comment: This variant was observed in the ICSL laboratory as part of a predisposition screen in an ostensibly healthy population. It had not been previously curated by ICSL or reported in the Human Gene Mutation Database (HGMD: prior to June 1st, 2018), and was therefore a candidate for classification through an automated scoring system. Utilizing variant allele frequency, disease prevalence and penetrance estimates, and inheritance mode, an automated score was calculated to assess if this variant is too frequent to cause the disease. Based on the score and internal cut-off values, a variant classified as benign is not then subjected to further curation. The score for this variant resulted in a classification of benign for this disease.

Breakthrough Genomics
Classification: Benign. Review status: criteria provided, single submitter. Criteria: ACMG Guidelines, 2015. Collection method: not provided. Allele origin: germline. Inheritance: Autosomal dominant inheritance. Affected: yes.